The following is an entry in ClinVar:

NM_001127392.3(MYRF):c.905C>T (p.Pro302Leu)

Gene: MYRF (myelin regulatory factor; plus strand). Cytogenetic location: 11q12.2.
Variant type: single nucleotide variant.
Coding change: c.905C>T on transcript NM_001127392.3 (MANE Select); coding-DNA position 905, C replaced by T.
Protein change: p.Pro302Leu; replaces proline 302 with leucine.
Molecular consequence: missense variant.
Genome position (GRCh38, 1-based): chr11:61,771,664, C>T. VCF-style: chr11-61771664-C-T. GRCh37 (hg19) VCF-style: chr11-61539136-C-T.
Other names: c.878C>T, p.Pro293Leu (NM_013279.4); short protein forms P293L, P302L.
Identifiers: ClinVar variation 3043694 (VCV003043694.6), dbSNP rs143193141, ClinGen allele CA6037696.
Genomic context (GRCh38, chr11:61,771,664, plus strand): 5'-TGACAGCCCTGCCTCTGCACCCCACTCGAGCCCCATCGCCACCCTGGCCTCCCCAGGGTC[C>T]GCTCTCCCCGGGCCCTGGTTCCTTGCCTCTCAGCATTGCCCGTGTCCAGACACCGCCTTG-3'
Protein context (NP_001120864.1, residues 292-312): APSPPWPPQG[Pro302Leu]LSPGPGSLPL

ClinVar aggregate classification (germline): Likely benign. Review status: criteria provided, single submitter (1 of 4 stars). 2 submissions from 2 submitters: Likely benign (1). 1 of the submissions does not count toward it. Last evaluated 2026-03-01.

Conditions:
MYRF-related disorder. Also called: MYRF-related condition; MYRF-related disorders.

Allele frequency attached by ClinVar (database versions not stated): ESP Exome Variant Server 0.00015; TOPMed 0.00028; gnomAD exomes 0.00033; gnomAD 0.00036; 1000 Genomes Project 0.00040; 1000 Genomes Project 30x 0.00047; ExAC 0.00062.
gnomAD v4.1: 519 of 1,613,886 alleles (0.032%); highest among the groups gnomAD compares: Admixed American, 0.29%; 2 homozygotes.

Submissions (2):

CeGaT Center for Human Genetics Tuebingen
Classification: Likely benign. Last evaluated: 2026-03-01. Review status: criteria provided, single submitter. Criteria: CeGaT Center For Human Genetics Tuebingen Variant Classification Criteria Version 2. Collection method: clinical testing. Allele origin: germline. Affected: yes. Observed: 1 variant allele.
Comment: MYRF: BS2

PreventionGenetics, part of Exact Sciences
Classification: Likely benign for MYRF-related condition. Last evaluated: 2019-05-30. Review status: no assertion criteria provided. Collection method: clinical testing. Allele origin: germline. Not counted in ClinVar's aggregate classification.
Comment: This variant is classified as likely benign based on ACMG/AMP sequence variant interpretation guidelines (Richards et al. 2015 PMID: 25741868, with internal and published modifications).